The following is an entry in ClinVar:

NM_182961.4(SYNE1):c.11560del (p.Ala3854fs)

Gene: SYNE1 (spectrin repeat containing nuclear envelope protein 1; minus strand). Cytogenetic location: 6q25.2.
Variant type: Deletion.
Coding change: c.11560del on transcript NM_182961.4 (MANE Select); coding-DNA position 11560, one base deleted (G; older notation c.11560delG).
Protein change: p.Ala3854fs; shifts the reading frame from alanine 3854.
Molecular consequence: frameshift variant.
Genome position (GRCh38, 1-based): chr6:152,352,047, C deleted on the plus strand (G on the coding strand, the reverse complement: SYNE1 is on the minus strand). VCF-style (leftmost placement, unchanged base first): chr6-152352046-GC-G. GRCh37 (hg19) VCF-style: chr6-152673181-GC-G.
Other names: c.11515del, p.Ala3839fs (NM_033071.5); short protein forms A3839fs, A3854fs.
Identifiers: ClinVar variation 3376801 (VCV003376801.1).

ClinVar aggregate classification (germline): Pathogenic (1 of 4 stars; one submission).

Conditions:
Autosomal recessive ataxia, Beauce type. Also called: SYNE1 Deficiency; Spinocerebellar ataxia, autosomal recessive 8; ATAXIA, RECESSIVE, OF BEAUCE; SYNE1-Related Autosomal Recessive Cerebellar Ataxia. Identifiers: Orphanet 88644, MedGen C1853116, MONDO:0012549, OMIM 610743.

Submission:

Victorian Clinical Genetics Services, Murdoch Childrens Research Institute
Classification: Pathogenic for Autosomal recessive ataxia, Beauce type. Last evaluated: 2023-07-17. Review status: criteria provided, single submitter. Criteria: ACMG Guidelines, 2015. Collection method: clinical testing. Allele origin: germline. Inheritance: Autosomal recessive inheritance. Affected: yes.
Comment: Based on the classification scheme VCGS_Germline_v1.3.4, this variant is classified as Pathogenic. Following criteria are met: 0102 - Loss of function is a known mechanism of disease in this gene and is associated with autosomal recessive spinocerebellar ataxia 8 (MIM#610743). (I) 0108 - This gene is associated with both recessive and dominant disease. Heterozygous variants result in Emery-Dreifuss muscular dystrophy 4 (MIM#612998), whereas biallelic variants can cause either myogenic type arthrogryposis multiplex congenita 3 (MIM#618484) or spinocerebellar ataxia 8 (MIM#610743). Variants causing arthrogryposis typically truncate the C-terminal KASH domain in the muscle-specific isoform, whereas spinocerebellar ataxia variants affect the larger isoform (OMIM). (I) 0201 - Variant is predicted to cause nonsense-mediated decay (NMD) and loss of protein (premature termination codon is located at least 54 nucleotides upstream of the final exon-exon junction). (SP) 0251 - This variant is heterozygous. (I) 0304 - Variant is present in gnomAD <0.01 (v2: 1 heterozygote, 0 homozygotes). (SP) 0701 - Other NMD-predicted variants comparable to the one identified in this case have very strong previous evidence for pathogenicity. Many other NMD predicted variants have previously been reported as pathogenic in individuals with autosomal recessive spinocerebellar ataxia 8 (MIM#610743) (ClinVar, PMID: 27086870). (SP) 0807 - This variant has no previous evidence of pathogenicity. (I) 0905 - No published segregation evidence has been identified for this variant. (I) 1007 - No published functional evidence has been identified for this variant. (I) 1208 - Inheritance information for this variant is not currently available in this individual. (I)

Literature cited by the submitters: PubMed 27086870.